The following is an entry in ClinVar:

ClinVar aggregate classification (germline): Conflicting classifications of pathogenicity. Review status: criteria provided, conflicting classifications (1 of 4 stars). 2 submissions from 2 submitters: Uncertain significance (1); Likely benign (1). Last evaluated 2026-02-13.

Submissions (2):

GeneDx
Classification: Uncertain significance. Last evaluated: 2026-02-13. Review status: criteria provided, single submitter. Criteria: GeneDx Variant Classification Process June 2021. Collection method: clinical testing. Allele origin: germline.
Comment: In-frame deletion of 1 amino acid(s) in a non-repeat region; In silico analysis supports a deleterious effect on protein structure/function; Has not been previously published as pathogenic or benign to our knowledge

Laboratory of Genetics, Children's Clinical University Hospital Latvia
Classification: Likely benign. Last evaluated: 2025-02-16. Review status: criteria provided, single submitter. Criteria: ACMG Guidelines, 2015. Collection method: clinical testing. Allele origin: germline. Affected: yes.

NM_181458.4(PAX3):c.544AAG[1] (p.Lys183del)

Gene: PAX3 (paired box 3; minus strand). Cytogenetic location: 2q36.1.
Variant type: Microsatellite.
Coding change: c.544AAG[1] on transcript NM_181458.4 (MANE Select); one copy of the 3-base unit AAG starting at c.544; the reference has two copies in a row; one copy, 3 bases deleted.
Protein change: p.Lys183del; deletes lysine 183.
Molecular consequence: inframe deletion.
Genome position (GRCh38, 1-based): chr2:222,294,204-222,294,206, CTT deleted on the plus strand (AAG on the coding strand, the reverse complement: PAX3 is on the minus strand); deleting any 3 consecutive bases within chr2:222,294,204-222,294,211 gives the same sequence; the position shown is the placement nearest the transcript's 3' end. VCF-style (leftmost placement, unchanged base first): chr2-222294203-CCTT-C. GRCh37 (hg19) VCF-style: chr2-223158922-CCTT-C.
Other names: c.544AAG[1], p.Lys183del (NM_000438.6, NM_013942.5, NM_181457.4 and 3 more transcripts); c.541AAG[1], p.Lys182del (NM_001127366.3); short protein forms K182del, K183del.
Identifiers: ClinVar variation 3342420 (VCV003342420.3).